The following is an entry in ClinVar:

NM_001042492.3(NF1):c.2001+9C>G

Gene: NF1 (neurofibromin 1; plus strand). Cytogenetic location: 17q11.2.
Variant type: single nucleotide variant.
Coding change: c.2001+9C>G on transcript NM_001042492.3 (MANE Select); 9 bases into the intron after coding-DNA position 2001, C replaced by G.
Molecular consequence: intron variant.
Genome position (GRCh38, 1-based): chr17:31,225,259, C>G. VCF-style: chr17-31225259-C-G. GRCh37 (hg19) VCF-style: chr17-29552277-C-G.
Other names: c.2001+9C>G (NM_000267.4).
Identifiers: ClinVar variation 772211 (VCV000772211.8), dbSNP rs755501652, ClinGen allele CA8485894.

ClinVar aggregate classification (germline): Likely benign. Review status: criteria provided, multiple submitters, no conflicts (2 of 4 stars). 2 submissions from 2 submitters: Likely benign (2). Last evaluated 2026-05-12.

Conditions:
Neurofibromatosis, type 1 (NF1). Also called: NEUROFIBROMATOSIS, TYPE I, SOMATIC; Peripheral type neurofibromatosis; VON RECKLINGHAUSEN DISEASE; Neurofibromatosis, type I. Identifiers: Orphanet 636, MedGen C0027831, MONDO:0018975, OMIM 162200. Disease mechanism: loss of function.

Allele frequency attached by ClinVar (database versions not stated): gnomAD exomes 0.00001 and below 0.00001; ExAC 0.00001.
gnomAD v4.1: 7 of 1,613,036 alleles (0.00043%); highest among the groups gnomAD compares: South Asian, 0.0066%; no homozygotes.

Submissions (2):

Myriad Genetics, Inc.
Classification: Likely benign for Neurofibromatosis, type 1. Last evaluated: 2026-05-12. Review status: criteria provided, single submitter. Criteria: Myriad Autosomal Dominant, Autosomal Recessive and X-Linked Classification Criteria (2023). Collection method: clinical testing. Allele origin: unknown.
Comment: This variant is considered likely benign. This variant is intronic and is not expected to impact mRNA splicing.

Labcorp Genetics (formerly Invitae), Labcorp
Classification: Likely benign for Neurofibromatosis, type 1. Last evaluated: 2025-12-18. Review status: criteria provided, single submitter. Criteria: Invitae Variant Classification Sherloc (09022015). Collection method: clinical testing. Allele origin: germline.